The following is an entry in ClinVar:

NM_006846.4(SPINK5):c.359G>A (p.Gly120Asp)

Gene: SPINK5 (serine peptidase inhibitor Kazal type 5; plus strand). Cytogenetic location: 5q32.
Variant type: single nucleotide variant.
Coding change: c.359G>A on transcript NM_006846.4 (MANE Select); coding-DNA position 359, G replaced by A.
Protein change: p.Gly120Asp; replaces glycine 120 with aspartic acid.
Molecular consequence: missense variant.
Genome position (GRCh38, 1-based): chr5:148,086,481, G>A. VCF-style: chr5-148086481-G-A. GRCh37 (hg19) VCF-style: chr5-147466044-G-A.
Other names: c.359G>A, p.Gly120Asp (NM_001127698.2, NM_001127699.2); short protein forms G120D.
Identifiers: ClinVar variation 1056455 (VCV001056455.6), dbSNP rs1753156960, ClinGen allele CA361889987.

ClinVar aggregate classification (germline): Uncertain significance (1 of 4 stars; one submission).

Conditions:
Netherton syndrome (NETH). Also called: COMEL-NETHERTON SYNDROME; NETHERTON DISEASE; ERYTHRODERMA, ICHTHYOSIFORM, WITH HYPOTRICHOSIS AND HYPER-IgE. Identifiers: Orphanet 634, MedGen C5574950, MONDO:0009735, OMIM 256500.

Allele frequency attached by ClinVar (database versions not stated): gnomAD exomes 0.00001.
gnomAD v4.1: 9 of 1,611,884 alleles (0.00056%); highest among the groups gnomAD compares: Non-Finnish European, 0.00076%; no homozygotes.

Submission:

Labcorp Genetics (formerly Invitae), Labcorp
Classification: Uncertain significance for Ichthyosis linearis circumflexa. Last evaluated: 2021-09-02. Review status: criteria provided, single submitter. Criteria: Invitae Variant Classification Sherloc (09022015). Collection method: clinical testing. Allele origin: germline.
Comment: This sequence change replaces glycine with aspartic acid at codon 120 of the SPINK5 protein (p.Gly120Asp). The glycine residue is highly conserved and there is a moderate physicochemical difference between glycine and aspartic acid. This variant is not present in population databases (ExAC no frequency). This variant has not been reported in the literature in individuals affected with SPINK5-related conditions. Algorithms developed to predict the effect of missense changes on protein structure and function are either unavailable or do not agree on the potential impact of this missense change (SIFT: "Deleterious"; PolyPhen-2: "Probably Damaging"; Align-GVGD: "Class C0"). In summary, the available evidence is currently insufficient to determine the role of this variant in disease. Therefore, it has been classified as a Variant of Uncertain Significance.